The following is an entry in ClinVar:

NM_001723.7(DST):c.6557G>A (p.Gly2186Asp)

Gene: DST (dystonin; minus strand). Cytogenetic location: 6p12.1.
Variant type: single nucleotide variant.
Coding change: c.6557G>A on transcript NM_001723.7 (MANE Plus Clinical); coding-DNA position 6557, G replaced by A.
Protein change: p.Gly2186Asp; replaces glycine 2186 with aspartic acid.
Molecular consequence: missense variant. On other transcripts: intron variant (10).
Genome position (GRCh38, 1-based): chr6:56,616,910, C>T on the plus strand (G>A on the coding strand, the complement: DST is on the minus strand). VCF-style: chr6-56616910-C-T. GRCh37 (hg19) VCF-style: chr6-56481708-C-T.
Other names: c.6557G>A (NM_001723.5); c.4831-2426G>A (NM_001144769.5); c.4930-2426G>A (NM_001374722.1, NM_001374736.1); c.4957-2426G>A (NM_001374734.1); c.4417-2426G>A (NM_001144770.2); c.4297-2426G>A (NM_001374730.1, NM_001386100.1, NM_183380.4 and 1 more transcripts); c.3319-2426G>A (NM_015548.5); short protein forms G2186D.
Identifiers: ClinVar variation 1007554 (VCV001007554.10), dbSNP rs762453459, ClinGen allele CA3870137.

ClinVar aggregate classification (germline): Uncertain significance. Review status: criteria provided, multiple submitters, no conflicts (2 of 4 stars). 2 submissions from 2 submitters: Uncertain significance (2). Last evaluated 2025-07-15.

Conditions:
Epidermolysis bullosa simplex 3, localized or generalized intermediate, with BP230 deficiency (EBS3). Also called: Epidermolysis bullosa simplex due to BP230 deficiency; Epidermolysis bullosa simplex, autosomal recessive 2. Identifiers: Orphanet 412181, MedGen C3809470, MONDO:0014180, OMIM 615425.
Hereditary sensory and autonomic neuropathy type 6. Also called: HSAN VI; Neuropathy, hereditary sensory and autonomic, type VI. Identifiers: Orphanet 314381, MedGen C3539003, MONDO:0013839, OMIM 614653.

Allele frequency attached by ClinVar (database versions not stated): gnomAD exomes below 0.00001; ExAC 0.00001; gnomAD 0.00001; TOPMed 0.00001.
gnomAD v4.1: 1 of 1,610,124 alleles (0.000062%); highest among the groups gnomAD compares: Non-Finnish European, 0.000085%; no homozygotes.

Submissions (2):

GeneDx
Classification: Uncertain significance. Last evaluated: 2025-07-15. Review status: criteria provided, single submitter. Criteria: GeneDx Variant Classification Process June 2021. Collection method: clinical testing. Allele origin: germline. Affected: yes.
Comment: Not observed at significant frequency in large population cohorts (gnomAD); In silico analysis suggests that this missense variant does not alter protein structure/function; Has not been previously published as pathogenic or benign to our knowledge; Reported using the transcript encoding the epithelial isoform of the gene

Labcorp Genetics (formerly Invitae), Labcorp
Classification: Uncertain significance for Epidermolysis bullosa simplex 3, localized or generalized intermediate, with BP230 deficiency; Hereditary sensory and autonomic neuropathy type 6. Last evaluated: 2020-09-24. Review status: criteria provided, single submitter. Criteria: Invitae Variant Classification Sherloc (09022015). Collection method: clinical testing. Allele origin: germline.
Comment: This variant has not been reported in the literature in individuals with DST-related conditions. Algorithms developed to predict the effect of missense changes on protein structure and function are either unavailable or do not agree on the potential impact of this missense change (SIFT: "Deleterious"; PolyPhen-2: "Probably Damaging"; Align-GVGD: "Class C15"). In summary, the available evidence is currently insufficient to determine the role of this variant in disease. Therefore, it has been classified as a Variant of Uncertain Significance. The frequency data for this variant in the population databases is considered unreliable, as metrics indicate poor data quality at this position in the ExAC database. This sequence change replaces glycine with aspartic acid at codon 2186 of the DST protein (p.Gly2186Asp). The glycine residue is weakly conserved and there is a moderate physicochemical difference between glycine and aspartic acid.